The following is an entry in ClinVar:

NM_000065.5(C6):c.853dup (p.Tyr285fs)

Gene: C6 (complement C6; minus strand). Cytogenetic location: 5p13.1.
Variant type: Duplication.
Coding change: c.853dup on transcript NM_000065.5 (MANE Select); coding-DNA position 853, one base duplicated (T; older notation c.853dupT).
Protein change: p.Tyr285fs; shifts the reading frame from tyrosine 285.
Molecular consequence: frameshift variant.
Genome position (GRCh38, 1-based): chr5:41,181,433, A duplicated on the plus strand (T on the coding strand, the reverse complement: C6 is on the minus strand); the first of 6 consecutive A bases (chr5:41,181,433-41,181,438); duplicating any one gives the same sequence. VCF-style (leftmost placement, unchanged base first): chr5-41181432-T-TA. GRCh37 (hg19) VCF-style: chr5-41181534-T-TA.
Other names: c.853dup, p.Tyr285fs (NM_001115131.4); short protein forms Y285fs.
Identifiers: ClinVar variation 4851441 (VCV004851441.1).

ClinVar aggregate classification (germline): Likely pathogenic (1 of 4 stars; one submission).

Conditions:
Complement component 6 deficiency (C6D). Also called: C6 DEFICIENCY. Identifiers: MedGen C2676232, MONDO:0012908, OMIM 612446.

Submission:

Institute of Immunology and Genetics Kaiserslautern
Classification: Likely pathogenic for Complement component 6 deficiency. Last evaluated: 2025-11-03. Review status: criteria provided, single submitter. Criteria: ACMG Guidelines, 2015. Collection method: clinical testing. Allele origin: germline. Affected: yes.
Comment: ACMG Criteria: PVS1, PM2; Variant was found in heterozygous state.